The following is an entry in ClinVar:

NM_001365308.1(BMPER):c.1181G>A (p.Cys394Tyr)

Gene: BMPER (BMP binding endothelial regulator; plus strand). Cytogenetic location: 7p14.3.
Variant type: single nucleotide variant.
Coding change: c.1181G>A on transcript NM_001365308.1 (MANE Select); coding-DNA position 1181, G replaced by A.
Protein change: p.Cys394Tyr; replaces cysteine 394 with tyrosine.
Molecular consequence: missense variant. On other transcripts: intron variant (1).
Genome position (GRCh38, 1-based): chr7:34,078,959, G>A. VCF-style: chr7-34078959-G-A. GRCh37 (hg19) VCF-style: chr7-34118571-G-A.
Other names: c.1181G>A, p.Cys394Tyr (NM_133468.5); c.1079-6797G>A (NM_001410872.1); short protein forms C394Y.
Identifiers: ClinVar variation 4214353 (VCV004214353.2).

ClinVar aggregate classification (germline): Uncertain significance. Review status: criteria provided, multiple submitters, no conflicts (2 of 4 stars). 2 submissions from 2 submitters: Uncertain significance (2). Last evaluated 2025-11-23.

Conditions:
Inborn genetic diseases. Identifiers: MedGen C0950123, MeSH D030342.

Submissions (2):

Labcorp Genetics (formerly Invitae), Labcorp
Classification: Uncertain significance. Last evaluated: 2025-11-23. Review status: criteria provided, single submitter. Criteria: Invitae Variant Classification Sherloc (09022015). Collection method: clinical testing. Allele origin: germline.
Comment: This sequence change replaces cysteine, which is neutral and slightly polar, with tyrosine, which is neutral and polar, at codon 394 of the BMPER protein (p.Cys394Tyr). This variant is present in population databases (rs745998740, gnomAD 0.0009%). This variant has not been reported in the literature in individuals affected with BMPER-related conditions. ClinVar contains an entry for this variant (Variation ID: 4214353). Invitae Evidence Modeling of protein sequence and biophysical properties (such as structural, functional, and spatial information, amino acid conservation, physicochemical variation, residue mobility, and thermodynamic stability) indicates that this missense variant is expected to disrupt BMPER protein function with a positive predictive value of 80%. In summary, the available evidence is currently insufficient to determine the role of this variant in disease. Therefore, it has been classified as a Variant of Uncertain Significance.

Ambry Genetics
Classification: Uncertain significance for Inborn genetic diseases. Last evaluated: 2025-08-22. Review status: criteria provided, single submitter. Criteria: Ambry Variant Classification Scheme 2023. Collection method: clinical testing. Allele origin: germline.